The following is an entry in ClinVar:

ClinVar aggregate classification (germline): Uncertain significance (1 of 4 stars; one submission).

Allele frequency attached by ClinVar (database versions not stated): gnomAD 0.00002; gnomAD exomes 0.00002; ExAC 0.00009.

Submission:

Centre of Medical Genetics, University Hospital Muenster
Classification: Uncertain significance. Last evaluated: 2023-04-25. Review status: criteria provided, single submitter. Criteria: ACMG Guidelines, 2015. Collection method: clinical testing. Allele origin: unknown. Affected: yes. Observed: 1 variant allele, 1 heterozygote.
Comment: ACMG categories: PVS1

NM_016284.5(CNOT1):c.4434+196dup

Gene: CNOT1 (CCR4-NOT transcription complex subunit 1; minus strand). Cytogenetic location: 16q21.
Variant type: Duplication.
Coding change: c.4434+196dup on transcript NM_016284.5 (MANE Select); 196 bases into the intron after coding-DNA position 4434, one base duplicated (C; older notation c.4434+196dupC).
Molecular consequence: intron variant. On other transcripts: frameshift variant (1).
Genome position (GRCh38, 1-based): chr16:58,543,411, G duplicated on the plus strand (C on the coding strand, the reverse complement: CNOT1 is on the minus strand). VCF-style (leftmost placement, unchanged base first): chr16-58543410-A-AG. GRCh37 (hg19) VCF-style: chr16-58577314-A-AG.
Other names: c.4630dup, p.Leu1544fs (NM_206999.3); c.4419+196dup (NM_001265612.2); short protein forms L1544fs.
Identifiers: ClinVar variation 2504163 (VCV002504163.2), dbSNP rs766486237, ClinGen allele CA8089135.